The following is an entry in ClinVar:

NM_015466.4(PTPN23):c.2978C>T (p.Pro993Leu)

Gene: PTPN23 (protein tyrosine phosphatase non-receptor type 23; plus strand). Cytogenetic location: 3p21.31.
Variant type: single nucleotide variant.
Coding change: c.2978C>T on transcript NM_015466.4 (MANE Select); coding-DNA position 2978, C replaced by T.
Protein change: p.Pro993Leu; replaces proline 993 with leucine.
Molecular consequence: missense variant.
Genome position (GRCh38, 1-based): chr3:47,410,776, C>T. VCF-style: chr3-47410776-C-T. GRCh37 (hg19) VCF-style: chr3-47452266-C-T.
Other names: c.2600C>T, p.Pro867Leu (NM_001304482.2); short protein forms P867L, P993L.
Identifiers: ClinVar variation 1805638 (VCV001805638.1), dbSNP rs1705261872, ClinGen allele CA352560906.

ClinVar aggregate classification (germline): Uncertain significance (1 of 4 stars; one submission).

Conditions:
Neurodevelopmental disorder and structural brain anomalies with or without seizures and spasticity. Identifiers: MedGen C5394423, MONDO:0030046, OMIM 618890.

Submission:

Victorian Clinical Genetics Services, Murdoch Childrens Research Institute
Classification: Uncertain significance for Neurodevelopmental disorder and structural brain anomalies with or without seizures and spasticity. Last evaluated: 2020-05-25. Review status: criteria provided, single submitter. Criteria: ACMG Guidelines, 2015. Collection method: clinical testing. Allele origin: germline.
Comment: Based on the classification scheme VCGS_Germline_v1.1.1, this variant is classified as a 3C-VUS. Following criteria are met: 0102 - Loss-of-function is a known mechanism of disease for this gene. (N) 0106 - This gene is known to be associated with autosomal recessive disease. (N) 0200 – This inframe deletion-insertion variant is predicted to result in missense amino acid change from a proline to a phenylalanine. (N) 0251 - Variant is heterozygous. (N) 0301 - Variant is absent from gnomAD. (P) 0309 - An alternative amino acid change at the same position has been observed in gnomAD (3 heterozygotes, 0 homozygotes). (N) 0503 - Missense variant consistently predicted to be tolerated and has low conservation, with a major amino acid change (SIFT, PolyPhen). (B) 0600 - Variant is located in an annotated domain or motif (PHA03247 superfamily) (N) 0705 - No comparable variants have previous evidence for pathogenicity. (N) 0807 - Variant has not previously been reported in a clinical context. (N) 0905 - No segregation evidence has been identified for this variant. (N) 1007 - No published functional evidence has been identified for this variant. (N) Legend: (P) - Pathogenic, (N) - Neutral, (B) - Benign